The following is an entry in ClinVar:

Conditions:
Arteriohepatic dysplasia. Also called: Alagille Syndrome. Identifiers: Orphanet 52, MedGen C0085280, MeSH D016738, MONDO:0007318.

Submission:

Gilbert/Spinner Lab, Children's Hospital of Philadelphia
No classification provided (evidence only). Condition: Alagille syndrome. Review status: no classification provided. Collection method: research. Allele origin: not applicable. Functional consequence: functionally_abnormal.
ClinVar note: "not provided" was previously submitted as the classification for the variant. However, the classification appeared to be based only on an observation of functional data so it was converted to no classification on 2025-07-30.

NM_000214.3(JAG1):c.934T>C (p.Cys312Arg)

Gene: JAG1 (jagged canonical Notch ligand 1; minus strand). Cytogenetic location: 20p12.2.
Variant type: single nucleotide variant.
Coding change: c.934T>C on transcript NM_000214.3 (MANE Select); coding-DNA position 934, T replaced by C.
Protein change: p.Cys312Arg; replaces cysteine 312 with arginine.
Molecular consequence: missense variant.
Genome position (GRCh38, 1-based): chr20:10,652,203, A>G on the plus strand (T>C on the coding strand, the complement: JAG1 is on the minus strand). VCF-style: chr20-10652203-A-G. GRCh37 (hg19) VCF-style: chr20-10632851-A-G.
Other names: short protein forms C312R.
Identifiers: ClinVar variation 3573194 (VCV003573194.2).
Genomic context (GRCh38, chr20:10,652,203, plus strand): 5'-TGGGTCCTGAATACCCCTCAGGGCAGGAACACTGATATTTGTCAGGGCCTGTGTTGCTAC[A>G]AGTTCCCCCGTTGAGACACGGCTGATGAGTCCCACAGTAATTGAGATCTGCCAAAAAGAT-3'
Protein context (NP_000205.1, residues 302-322): THQPCLNGGT[Cys312Arg]SNTGPDKYQC